The following is an entry in ClinVar:

NM_016169.4(SUFU):c.-2C>G

Genes: SUFU (SUFU negative regulator of hedgehog signaling; plus strand), LOC130004614 (ATAC-STARR-seq lymphoblastoid silent region 2764; plus strand). Cytogenetic location: 10q24.32.
Variant type: single nucleotide variant.
Coding change: c.-2C>G on transcript NM_016169.4 (MANE Select); 2 bases upstream of the start codon, C replaced by G.
Molecular consequence: 5 prime UTR variant.
Genome position (GRCh38, 1-based): chr10:102,504,151, C>G. VCF-style: chr10-102504151-C-G. GRCh37 (hg19) VCF-style: chr10-104263908-C-G.
Other names: c.-2C>G (NM_001178133.2).
Identifiers: ClinVar variation 2447186 (VCV002447186.2), dbSNP rs1380573429, ClinGen allele CA595216471.

ClinVar aggregate classification (germline): Uncertain significance (1 of 4 stars; one submission).

Conditions:
Hereditary cancer-predisposing syndrome. Also called: Neoplastic Syndromes, Hereditary; Hereditary Cancer Syndrome; Tumor predisposition; Hereditary neoplastic syndrome. Identifiers: Orphanet 140162, MedGen C0027672, MeSH D009386, MONDO:0015356.

Submission:

Ambry Genetics
Classification: Uncertain significance for Hereditary cancer-predisposing syndrome. Last evaluated: 2022-12-06. Review status: criteria provided, single submitter. Criteria: Ambry Variant Classification Scheme 2023. Collection method: clinical testing. Allele origin: germline.
Comment: The c.-2C>G variant is located in the 5' untranslated region (5&rsquo; UTR) of the SUFU gene. This variant results from a C to G substitution 2 bases upstream from the first translated codon. This nucleotide position is not well conserved in available vertebrate species. Since supporting evidence is limited at this time, the clinical significance of this alteration remains unclear.